The following is an entry in ClinVar:

ClinVar aggregate classification (germline): Pathogenic/Likely pathogenic. Review status: criteria provided, multiple submitters, no conflicts (2 of 4 stars). 2 submissions from 2 submitters: Pathogenic (1); Likely pathogenic (1). Last evaluated 2018-08-20.

Conditions:
Peroxisome biogenesis disorder 2B (PBD2B). Identifiers: Orphanet 44, MedGen C3550234, MONDO:0008736, OMIM 202370.

Allele frequency attached by ClinVar (database versions not stated): gnomAD exomes below 0.00001.
gnomAD v4.1: 1 of 1,613,984 alleles (0.000062%); highest among the groups gnomAD compares: Non-Finnish European, 0.000085%; no homozygotes.

Submissions (2):

Labcorp Genetics (formerly Invitae), Labcorp
Classification: Pathogenic for Peroxisome biogenesis disorder 2B. Last evaluated: 2018-08-20. Review status: criteria provided, single submitter. Criteria: Invitae Variant Classification Sherloc (09022015). Collection method: clinical testing. Allele origin: germline.
Comment: This sequence change creates a premature translational stop signal (p.Glu121*) in the PEX5 gene. It is expected to result in an absent or disrupted protein product. For these reasons, this variant has been classified as Pathogenic. Loss-of-function variants in PEX5 are known to be pathogenic (PMID: 18712838, 21031596). This variant has not been reported in the literature in individuals with PEX5-related disease. This variant is not present in population databases (ExAC no frequency).

GeneDx
Classification: Likely pathogenic. Last evaluated: 2018-05-31. Review status: criteria provided, single submitter. Criteria: GeneDx Variant Classification (06012015). Collection method: clinical testing. Allele origin: germline. Affected: yes.
Comment: The E121X variant in the PEX5 gene has not been reported previously as a pathogenic variant nor as a benign variant, to our knowledge. This variant is predicted to cause loss of normal protein function either through protein truncation or nonsense-mediated mRNA decay. The E121X variant is not observed in large population cohorts (Lek et al., 2016). We interpret E121X as a likely pathogenic variant.

Literature cited by the submitters: PubMed 18712838 (cited by Labcorp Genetics (formerly Invitae), Labcorp); PubMed 21031596 (cited by Labcorp Genetics (formerly Invitae), Labcorp).

NM_001351132.2(PEX5):c.361G>T (p.Glu121Ter)

Gene: PEX5 (peroxisomal biogenesis factor 5; plus strand). Cytogenetic location: 12p13.31.
Variant type: single nucleotide variant.
Coding change: c.361G>T on transcript NM_001351132.2 (MANE Select); coding-DNA position 361, G replaced by T.
Protein change: p.Glu121Ter; replaces glutamic acid 121 with a stop codon.
Molecular consequence: nonsense.
Genome position (GRCh38, 1-based): chr12:7,191,613, G>T. VCF-style: chr12-7191613-G-T. GRCh37 (hg19) VCF-style: chr12-7344209-G-T.
Other names: c.361G>T, p.Glu121Ter (NM_001351126.2, NM_001351127.2, NM_001351128.2 and 19 more transcripts); c.406G>T, p.Glu136Ter (NM_001351135.3, NM_001351138.2, NM_001131023.2); short protein forms E121*, E136*.
Identifiers: ClinVar variation 620217 (VCV000620217.7), dbSNP rs1565673352, ClinGen allele CA383712240.
Genomic context (GRCh38, chr12:7,191,613, plus strand): 5'-CTCTCTCTCTTTTAAGCCCCTGGTGTGGCAGACTTGGCCTTGTCTGAGAACTGGGCCCAG[G>T]AGTTTCTTGCAGCTGGAGATGCTGTGGATGTAACTCAGGATTATAATGAGACTGACTGGT-3'